The following is an entry in ClinVar:

ClinVar aggregate classification (germline): Conflicting classifications of pathogenicity. Review status: criteria provided, conflicting classifications (1 of 4 stars). 2 submissions from 2 submitters: Uncertain significance (1); Likely benign (1). Last evaluated 2023-06-06.

Conditions:
Combined immunodeficiency and megaloblastic anemia with or without hyperhomocysteinemia. Also called: METHYLENETETRAHYDROFOLATE DEHYDROGENASE 1 DEFICIENCY; COMBINED IMMUNODEFICIENCY AND MEGALOBLASTIC ANEMIA. Identifiers: Orphanet 658813, MedGen C4540434, MONDO:0060611, OMIM 617780.

Allele frequency attached by ClinVar (database versions not stated): gnomAD exomes below 0.00001.
gnomAD v4.1: 2 of 1,613,584 alleles (0.00012%); highest among the groups gnomAD compares: Non-Finnish European, 0.00017%; no homozygotes.

Submissions (2):

Labcorp Genetics (formerly Invitae), Labcorp
Classification: Likely benign. Last evaluated: 2023-06-06. Review status: criteria provided, single submitter. Criteria: Invitae Variant Classification Sherloc (09022015). Collection method: clinical testing. Allele origin: germline.

Baylor Genetics
Classification: Uncertain significance for Combined immunodeficiency and megaloblastic anemia with or without hyperhomocysteinemia. Last evaluated: 2019-01-14. Review status: criteria provided, single submitter. Criteria: ACMG Guidelines, 2015. Collection method: clinical testing. Allele origin: unknown. Affected: yes.
Comment: This variant was determined to be of uncertain significance according to ACMG Guidelines, 2015 [PMID:25741868].

NM_005956.4(MTHFD1):c.1265-4C>T

Genes: MTHFD1 (methylenetetrahydrofolate dehydrogenase, cyclohydrolase and formyltetrahydrofolate synthetase 1; plus strand), LOC112272548 (Sharpr-MPRA regulatory region 9441; plus strand). Cytogenetic location: 14q23.3.
Variant type: single nucleotide variant.
Coding change: c.1265-4C>T on transcript NM_005956.4 (MANE Select); 4 bases into the intron before coding-DNA position 1265, C replaced by T.
Molecular consequence: intron variant.
Genome position (GRCh38, 1-based): chr14:64,430,180, C>T. VCF-style: chr14-64430180-C-T. GRCh37 (hg19) VCF-style: chr14-64896898-C-T.
Other names: c.1265-4C>T (NM_001364837.1).
Identifiers: ClinVar variation 1030041 (VCV001030041.4), dbSNP rs2078146524, ClinGen allele CA2142685085.
Genomic context (GRCh38, chr14:64,430,180, plus strand): 5'-TTTGATTTCTAAGTCATTGGAGAAGCATGCTTAACTGAGCTTCCACCCTTGACCTGTCCC[C>T]TAGGTGGCGCTGCAGGAGGCGGCTACTCCCAGGTCATTCCTATGGAAGAGGTAAAGTATT-3'